The following is an entry in ClinVar:

NM_004813.4(PEX16):c.695-6C>T

Gene: PEX16 (peroxisomal biogenesis factor 16; minus strand). Cytogenetic location: 11p11.2.
Variant type: single nucleotide variant.
Coding change: c.695-6C>T on transcript NM_004813.4 (MANE Select); 6 bases into the intron before coding-DNA position 695, C replaced by T.
Molecular consequence: intron variant.
Genome position (GRCh38, 1-based): chr11:45,914,209, G>A on the plus strand (C>T on the coding strand, the complement: PEX16 is on the minus strand). VCF-style: chr11-45914209-G-A. GRCh37 (hg19) VCF-style: chr11-45935760-G-A.
Other names: c.695-6C>T (NM_057174.3).
Identifiers: ClinVar variation 198814 (VCV000198814.20), dbSNP rs372182266, ClinGen allele CA247651.

ClinVar aggregate classification (germline): Conflicting classifications of pathogenicity. Review status: criteria provided, conflicting classifications (1 of 4 stars). 6 submissions from 6 submitters: Uncertain significance (4); Likely benign (2). Last evaluated 2026-01-28.

Conditions:
Inborn genetic diseases. Identifiers: MedGen C0950123, MeSH D030342.
Peroxisome biogenesis disorder 8A (Zellweger). Also called: Peroxisome biogenesis disorder 8A. Identifiers: Orphanet 912, MedGen C3553959, MONDO:0013942, OMIM 614876.
Peroxisome biogenesis disorder 8B (PBD8B). Identifiers: Orphanet 44, MedGen C3553960, MONDO:0013943, OMIM 614877.
Peroxisome biogenesis disorder. Identifiers: Orphanet 79189, MedGen C1832200, MONDO:0019234. Disease mechanism: loss of function.

Allele frequency attached by ClinVar (database versions not stated): 1000 Genomes Project 30x 0.00016; 1000 Genomes Project 0.00020; ESP Exome Variant Server 0.00023; gnomAD exomes 0.00026 and 0.00048; ExAC 0.00031; TOPMed 0.00034; gnomAD 0.00036.
gnomAD v4.1: 735 of 1,613,262 alleles (0.046%); highest among the groups gnomAD compares: Non-Finnish European, 0.058%; no homozygotes.

Submissions (6):

Labcorp Genetics (formerly Invitae), Labcorp
Classification: Likely benign for Peroxisome biogenesis disorder. Last evaluated: 2026-01-28. Review status: criteria provided, single submitter. Criteria: Invitae Variant Classification Sherloc (09022015). Collection method: clinical testing. Allele origin: germline.

Blueprint Genetics
Classification: Likely benign. Last evaluated: 2024-10-11. Review status: criteria provided, single submitter. Criteria: ACMG Guidelines, 2015. Collection method: clinical testing. Allele origin: germline.

Ambry Genetics
Classification: Uncertain significance for Inborn genetic diseases. Last evaluated: 2021-10-12. Review status: criteria provided, single submitter. Criteria: Ambry Variant Classification Scheme 2023. Collection method: clinical testing. Allele origin: germline.
Comment: The c.695-6C>T intronic alteration consists of a C to T substitution 6 nucleotides before coding exon 8 in the PEX16 gene. Based on insufficient or conflicting evidence, the clinical significance of this alteration remains unclear.

Fulgent Genetics
Classification: Uncertain significance for Peroxisome biogenesis disorder 8A (Zellweger); Peroxisome biogenesis disorder 8B. Last evaluated: 2018-10-31. Review status: criteria provided, single submitter. Criteria: ACMG Guidelines, 2015. Collection method: clinical testing. Allele origin: unknown.

Illumina Laboratory Services, Illumina
Classification: Uncertain significance for Peroxisome biogenesis disorder 8A (Zellweger). Last evaluated: 2018-01-13. Review status: criteria provided, single submitter. Criteria: ICSL Variant Classification Criteria 13 December 2019. Collection method: clinical testing. Allele origin: germline.

Eurofins Ntd Llc (ga)
Classification: Uncertain significance. Last evaluated: 2017-12-06. Review status: criteria provided, single submitter. Criteria: EGL Classification Definitions 2015. Collection method: clinical testing. Allele origin: germline. Observed: 2 variant alleles, 2 heterozygotes.